The following is an entry in ClinVar:

ClinVar aggregate classification (germline): Pathogenic (1 of 4 stars; one submission).

Conditions:
Cockayne syndrome. Identifiers: Orphanet 191, MedGen C0009207, MONDO:0016006.

Submission:

Women's Health and Genetics/Laboratory Corporation of America, LabCorp
Classification: Pathogenic for Cockayne syndrome. Last evaluated: 2025-09-29. Review status: criteria provided, single submitter. Criteria: LabCorp Variant Classification Summary - May 2015. Collection method: clinical testing. Allele origin: germline.
Comment: Variant summary: The variant involves the deletion of exons 3-12 in the ERCC8 gene. A presumed nomenclature of c.(173+1_174-1)_(*8162_?)del has been designated for the purposes of this classification. The exact breakpoint at the distal 3' end of this variant is unknown, therefore this deletion may extend downstream of the annotated region of the gene. As it encompasses the termination codon, it is predicted to escape nonsense mediated decay (NMD). Loss-of-function variants in this gene are known to be pathogenic. The variant was absent in 21694 control chromosomes. To our knowledge, no occurrence of c.(173+1_174-1)_(*8162_?)del in individuals affected with ERCC8-related conditions and no experimental evidence demonstrating its impact on protein function have been reported. However, multiple pathogenic variants are located within the deleted region, supporting its critical relevance to ERCC8 function. ClinVar contains an entry for this variant (Variation ID: 2422324). Based on the evidence outlined above, the variant was classified as pathogenic.

NC_000005.9:g.(?_60162280)_(60217983_60224690)del

Gene: ERCC8 (ERCC excision repair 8, CSA ubiquitin ligase complex subunit; minus strand). Cytogenetic location: 5q12.1.
Variant type: Deletion.
Identifiers: ClinVar variation 4535602 (VCV004535602.1).